The following is an entry in ClinVar:

NM_004369.4(COL6A3):c.3790G>A (p.Val1264Met)

Gene: COL6A3 (collagen type VI alpha 3 chain; minus strand). Cytogenetic location: 2q37.3.
Variant type: single nucleotide variant.
Coding change: c.3790G>A on transcript NM_004369.4 (MANE Select); coding-DNA position 3790, G replaced by A.
Protein change: p.Val1264Met; replaces valine 1264 with methionine.
Molecular consequence: missense variant.
Genome position (GRCh38, 1-based): chr2:237,372,227, C>T on the plus strand (G>A on the coding strand, the complement: COL6A3 is on the minus strand). VCF-style: chr2-237372227-C-T. GRCh37 (hg19) VCF-style: chr2-238280870-C-T.
Other names: c.2569G>A, p.Val857Met (NM_057164.5); c.3172G>A, p.Val1058Met (NM_057165.5, NM_057167.4); c.1969G>A, p.Val657Met (NM_057166.5); short protein forms V657M, V1058M, V1264M, V857M.
Identifiers: ClinVar variation 665548 (VCV000665548.13), dbSNP rs541703064, ClinGen allele CA2189072.

ClinVar aggregate classification (germline): Conflicting classifications of pathogenicity. Review status: criteria provided, conflicting classifications (1 of 4 stars). 2 submissions from 2 submitters: Uncertain significance (1); Likely benign (1). Last evaluated 2024-10-21.

Conditions:
Collagen 6-related myopathy. Identifiers: MedGen CN117976, MONDO:0100225.
Ullrich congenital muscular dystrophy 1A. Also called: Intermediate COL6-RD; Ullrich congenital muscular dystrophy 1. Identifiers: Orphanet 75840, MedGen C0410179, MONDO:0009681, OMIM 254090.
Bethlem myopathy 1A. Also called: Bethlem Muscular Dystrophy; Bethlem myopathy 1; MYOPATHY, BENIGN CONGENITAL, WITH CONTRACTURES. Identifiers: Orphanet 610, MedGen CN029274, MONDO:0024530, OMIM 158810.

Allele frequency attached by ClinVar (database versions not stated): TOPMed 0.00001; ExAC 0.00002; gnomAD 0.00002 and 0.00003; gnomAD exomes 0.00002; 1000 Genomes Project 30x 0.00016; 1000 Genomes Project 0.00020.
gnomAD v4.1: 22 of 1,614,100 alleles (0.0014%); highest among the groups gnomAD compares: East Asian, 0.0067%; no homozygotes.

Submissions (2):

Labcorp Genetics (formerly Invitae), Labcorp
Classification: Likely benign for Bethlem myopathy 1A. Last evaluated: 2024-10-21. Review status: criteria provided, single submitter. Criteria: Invitae Variant Classification Sherloc (09022015). Collection method: clinical testing. Allele origin: germline.

GeneDx
Classification: Uncertain significance. Last evaluated: 2023-05-02. Review status: criteria provided, single submitter. Criteria: GeneDx Variant Classification Process June 2021. Collection method: clinical testing. Allele origin: germline. Affected: yes.
Comment: In silico analysis supports that this missense variant does not alter protein structure/function; Has not been previously published as pathogenic or benign to our knowledge